The following is an entry in ClinVar:

NM_006005.3(WFS1):c.*366_*369del

Gene: WFS1 (wolframin ER transmembrane glycoprotein; plus strand). Cytogenetic location: 4p16.1.
Variant type: Deletion.
Coding change: c.*366_*369del on transcript NM_006005.3 (MANE Select); 366 bases downstream of the stop codon through 369 bases downstream of the stop codon, 4 bases deleted (TTTT; older notation c.*366_*369delTTTT).
Molecular consequence: 3 prime UTR variant.
Genome position (GRCh38, 1-based): chr4:6,302,834-6,302,837, TTTT deleted. VCF-style (leftmost placement, unchanged base first): chr4-6302833-CTTTT-C. GRCh37 (hg19) VCF-style: chr4-6304560-CTTTT-C.
Other names: c.*366_*369del (NM_001145853.1).
Identifiers: ClinVar variation 349348 (VCV000349348.6), dbSNP rs71537671, ClinGen allele CA10621488.

ClinVar aggregate classification (germline): Uncertain significance (1 of 4 stars; one submission).

Conditions:
Wolfram syndrome 1 (WFS1). Identifiers: Orphanet 3463, MedGen C4551693, MONDO:0009101, OMIM 222300.

Allele frequency attached by ClinVar (database versions not stated): gnomAD exomes 0.00048; gnomAD 0.00049 and 0.00051; TOPMed 0.00052.

Submission:

Clinical Genomics, Uppaluri K&H Personalized Medicine Clinic
Classification: Uncertain significance for Wolfram syndrome 1. Review status: criteria provided, single submitter. Criteria: K & H Uppaluri Personalized Medicine Clinic Variant Classification & Assertion Criteria_Updated V.1. Collection method: research. Allele origin: unknown. Inheritance: Autosomal recessive inheritance.
Comment: Potent mutations in WFS1 gene are associated with Wolfram's syndrome, an autosomal recessive condition, which cause diabetes mellitus, diabetes insipidus, deafness and optic atrophy.However no sufficient evidence is found to ascertain the role of this particular variant rs71537671 in Wolfram's syndrome yet.

Literature cited by the submitters: PubMed 20738327; PubMed 33879153; PubMed 12955714; PubMed 18060660; PubMed 20301750; PubMed 17603484.